The following is an entry in ClinVar:

ClinVar aggregate classification (germline): Uncertain significance (1 of 4 stars; one submission).

Conditions:
Inborn genetic diseases. Identifiers: MedGen C0950123, MeSH D030342.

Submission:

Ambry Genetics
Classification: Uncertain significance for Inborn genetic diseases. Last evaluated: 2024-09-16. Review status: criteria provided, single submitter. Criteria: Ambry Variant Classification Scheme 2023. Collection method: clinical testing. Allele origin: germline.
Comment: The p.S1186Y variant (also known as c.3557C>A), located in coding exon 26 of the LRRK2 gene, results from a C to A substitution at nucleotide position 3557. The serine at codon 1186 is replaced by tyrosine, an amino acid with dissimilar properties. This amino acid position is conserved. In addition, this alteration is predicted to be tolerated by in silico analysis. Based on the available evidence, the clinical significance of this variant remains unclear.

NM_198578.4(LRRK2):c.3557C>A (p.Ser1186Tyr)

Gene: LRRK2 (leucine rich repeat kinase 2; plus strand). Cytogenetic location: 12q12.
Variant type: single nucleotide variant.
Coding change: c.3557C>A on transcript NM_198578.4 (MANE Select); coding-DNA position 3557, C replaced by A.
Protein change: p.Ser1186Tyr; replaces serine 1186 with tyrosine.
Molecular consequence: missense variant.
Genome position (GRCh38, 1-based): chr12:40,302,849, C>A. VCF-style: chr12-40302849-C-A. GRCh37 (hg19) VCF-style: chr12-40696651-C-A.
Other names: short protein forms S1186Y.
Identifiers: ClinVar variation 3540680 (VCV003540680.1).
Genomic context (GRCh38, chr12:40,302,849, plus strand): 5'-CTGCTATGCCTTTCTTGCCTCCTTCTATGACAATCCTAAAATTATCTCAGAACAAATTTT[C>A]CTGTATTCCAGAAGCAATTTTAAATCTTCCACAGTAAGTTTATTGTTATTTTAATTTTAA-3'
Protein context (NP_940980.4, residues 1176-1196): TILKLSQNKF[Ser1186Tyr]CIPEAILNLP